The following is an entry in ClinVar:

NM_139242.4(MTFMT):c.646-124del

Gene: MTFMT (mitochondrial methionyl-tRNA formyltransferase; minus strand). Cytogenetic location: 15q22.31.
Variant type: Deletion.
Coding change: c.646-124del on transcript NM_139242.4 (MANE Select); 124 bases into the intron before coding-DNA position 646, one base deleted (T; older notation c.646-124delT).
Molecular consequence: intron variant.
Genome position (GRCh38, 1-based): chr15:65,020,396, A deleted on the plus strand (T on the coding strand, the reverse complement: MTFMT is on the minus strand); the first of 10 consecutive A bases (chr15:65,020,396-65,020,405); deleting any one gives the same sequence. VCF-style (leftmost placement, unchanged base first): chr15-65020395-TA-T. GRCh37 (hg19) VCF-style: chr15-65312733-TA-T.
Identifiers: ClinVar variation 676155 (VCV000676155.1), dbSNP rs11358848, ClinGen allele CA271498169.

ClinVar aggregate classification (germline): Benign (1 of 4 stars; one submission).

Submission:

GeneDx
Classification: Benign. Last evaluated: 2018-06-16. Review status: criteria provided, single submitter. Criteria: GeneDx Variant Classification (06012015). Collection method: clinical testing. Allele origin: germline. Affected: yes.
Comment: This variant is considered likely benign or benign based on one or more of the following criteria: it is a conservative change, it occurs at a poorly conserved position in the protein, it is predicted to be benign by multiple in silico algorithms, and/or has population frequency not consistent with disease.